The following is an entry in ClinVar:

NM_138713.4(NFAT5):c.2079G>A (p.Leu693=)

Gene: NFAT5 (nuclear factor of activated T cells 5; plus strand). Cytogenetic location: 16q22.1.
Variant type: single nucleotide variant.
Coding change: c.2079G>A on transcript NM_138713.4 (MANE Select); coding-DNA position 2079, G replaced by A.
Protein change: p.Leu693=; no amino-acid change (leucine 693 retained).
Molecular consequence: synonymous variant.
Genome position (GRCh38, 1-based): chr16:69,691,904, G>A. VCF-style: chr16-69691904-G-A. GRCh37 (hg19) VCF-style: chr16-69725807-G-A.
Other names: c.2076G>A, p.Leu692= (NM_001113178.3); c.1404G>A, p.Leu468= (NM_001367709.1); c.2025G>A, p.Leu675= (NM_006599.4); c.1797G>A, p.Leu599= (NM_138714.4, NM_173214.3, NM_173215.3); c.2079G>A, p.Leu693= (LRG_1332t1).
Identifiers: ClinVar variation 456655 (VCV000456655.15), dbSNP rs144343499, ClinGen allele CA8135709.

ClinVar aggregate classification (germline): Benign/Likely benign. Review status: criteria provided, multiple submitters, no conflicts (2 of 4 stars). 3 submissions from 3 submitters: Benign (1); Likely benign (1). 1 of the submissions does not count toward it. Last evaluated 2026-01-15.

Conditions:
NFAT5-related disorder. Also called: NFAT5-related condition.
Immunodeficiency. Identifiers: MedGen C0021051, MONDO:0021094, HP:0002721.

Allele frequency attached by ClinVar (database versions not stated): gnomAD 0.00046 and 0.00059; TOPMed 0.00077; ExAC 0.00130; 1000 Genomes Project 30x 0.00250; 1000 Genomes Project 0.00300.

Submissions (3):

Labcorp Genetics (formerly Invitae), Labcorp
Classification: Benign for Immunodeficiency. Last evaluated: 2026-01-15. Review status: criteria provided, single submitter. Criteria: Invitae Variant Classification Sherloc (09022015). Collection method: clinical testing. Allele origin: germline.

Blueprint Genetics
Classification: Likely benign. Last evaluated: 2024-10-04. Review status: criteria provided, single submitter. Criteria: ACMG Guidelines, 2015. Collection method: clinical testing. Allele origin: germline.

PreventionGenetics, part of Exact Sciences
Classification: Benign for NFAT5-related condition. Last evaluated: 2019-04-01. Review status: no assertion criteria provided. Collection method: clinical testing. Allele origin: germline. Not counted in ClinVar's aggregate classification.
Comment: This variant is classified as benign based on ACMG/AMP sequence variant interpretation guidelines (Richards et al. 2015 PMID: 25741868, with internal and published modifications).